The following is an entry in ClinVar:

NM_000816.3(GABRG2):c.770_772del

Gene: GABRG2 (gamma-aminobutyric acid type A receptor subunit gamma2; plus strand). Cytogenetic location: 5q34.
Variant type: Deletion.
Coding change: c.770_772del on transcript NM_000816.3; coding-DNA positions 770 to 772, 3 bases deleted (GAG; older notation c.770_772delGAG).
Molecular consequence: splice acceptor variant.
Genome position (GRCh38, 1-based): chr5:162,142,164-162,142,166, GAG deleted; deleting any 3 consecutive bases within chr5:162,142,162-162,142,166 gives the same sequence; the c. name uses the placement nearest the transcript's 3' end. VCF-style (leftmost placement, unchanged base first): chr5-162142161-CAGG-C. GRCh37 (hg19) VCF-style: chr5-161569167-CAGG-C.
Other names: c.770-3_770-1del (NM_001375341.1, NM_001375342.1).
Identifiers: ClinVar variation 3897443 (VCV003897443.1).

ClinVar aggregate classification (germline): Uncertain significance (1 of 4 stars; one submission).

Submission:

GeneDx
Classification: Uncertain significance. Last evaluated: 2024-11-03. Review status: criteria provided, single submitter. Criteria: GeneDx Variant Classification Process June 2021. Collection method: clinical testing. Allele origin: germline. Affected: yes.
Comment: In-frame deletion of 1 amino acid in a non-repeat region; Not observed at significant frequency in large population cohorts (gnomAD); In silico analysis supports a deleterious effect on protein structure/function; Has not been previously published as pathogenic or benign to our knowledge